The following is an entry in ClinVar:

ClinVar aggregate classification (germline): Likely pathogenic. Review status: criteria provided, multiple submitters, no conflicts (2 of 4 stars). 3 submissions from 3 submitters: Likely pathogenic (3). Last evaluated 2025-05-22.

Conditions:
PEX12-related disorder. Also called: PEX12-related disorders; PEX12-related condition.
Peroxisome biogenesis disorder type 3B. Identifiers: Orphanet 44, Orphanet 772, MedGen C3550693, MONDO:0009959, OMIM 266510.
Peroxisome biogenesis disorder 3A (Zellweger). Also called: Peroxisome biogenesis disorder 3A; PEROXISOMAL BIOGENESIS DISORDER 3A (ZELLWEGER). Identifiers: Orphanet 912, MedGen C3553929, MONDO:0013927, OMIM 614859.

Submissions (3):

First Genomix Gene Laboratory, Genetic Diagnostics Department
Classification: Likely pathogenic for Peroxisome biogenesis disorder 3A (Zellweger); Peroxisome biogenesis disorder type 3B. Last evaluated: 2025-05-22. Review status: criteria provided, single submitter. Criteria: ACMG Guidelines, 2015. Collection method: clinical testing. Allele origin: germline. Inheritance: Autosomal recessive inheritance. Affected: no. Observed: 1 variant allele.

Fulgent Genetics
Classification: Likely pathogenic for Peroxisome biogenesis disorder type 3B; Peroxisome biogenesis disorder 3A (Zellweger). Last evaluated: 2024-01-26. Review status: criteria provided, single submitter. Criteria: ACMG Guidelines, 2015. Collection method: clinical testing. Allele origin: germline.

Blueprint Genetics
Classification: Likely pathogenic for PEX12-related disorders. Last evaluated: 2019-08-28. Review status: criteria provided, single submitter. Criteria: ACMG Guidelines, 2015. Collection method: clinical testing. Allele origin: germline. Affected: yes. Observed: 2 variant alleles.

NM_000286.3(PEX12):c.1A>G (p.Met1Val)

Gene: PEX12 (peroxisomal biogenesis factor 12; minus strand). Cytogenetic location: 17q12.
Variant type: single nucleotide variant.
Coding change: c.1A>G on transcript NM_000286.3 (MANE Select); coding-DNA position 1, A replaced by G.
Protein change: p.Met1Val; changes the start codon (methionine 1).
Molecular consequence: missense variant, initiator codon variant.
Genome position (GRCh38, 1-based): chr17:35,578,021, T>C on the plus strand (A>G on the coding strand, the complement: PEX12 is on the minus strand). VCF-style: chr17-35578021-T-C. GRCh37 (hg19) VCF-style: chr17-33905040-T-C.
Other names: short protein forms M1V.
Identifiers: ClinVar variation 3581858 (VCV003581858.3).